The following is an entry in ClinVar:

NM_016239.4(MYO15A):c.10324del (p.Leu3442fs)

Gene: MYO15A (myosin XVA; plus strand). Cytogenetic location: 17p11.2.
Variant type: Deletion.
Coding change: c.10324del on transcript NM_016239.4 (MANE Select); coding-DNA position 10324, one base deleted (C; older notation c.10324delC).
Protein change: p.Leu3442fs; shifts the reading frame from leucine 3442.
Molecular consequence: frameshift variant.
Genome position (GRCh38, 1-based): chr17:18,172,264, C deleted; the last of 2 consecutive C bases (chr17:18,172,263-18,172,264); deleting either gives the same sequence. VCF-style (leftmost placement, unchanged base first): chr17-18172262-GC-G. GRCh37 (hg19) VCF-style: chr17-18075576-GC-G.
Other names: short protein forms L3442fs.
Identifiers: ClinVar variation 2856144 (VCV002856144.3), dbSNP rs1251608221, ClinGen allele CA625047981.

ClinVar aggregate classification (germline): Pathogenic (1 of 4 stars; one submission).

Submission:

Labcorp Genetics (formerly Invitae), Labcorp
Classification: Pathogenic. Last evaluated: 2023-04-14. Review status: criteria provided, single submitter. Criteria: Invitae Variant Classification Sherloc (09022015). Collection method: clinical testing. Allele origin: germline.
Comment: For these reasons, this variant has been classified as Pathogenic. This variant has not been reported in the literature in individuals affected with MYO15A-related conditions. This variant is present in population databases (no rsID available, gnomAD 0.0009%). This sequence change creates a premature translational stop signal (p.Leu3442Serfs*11) in the MYO15A gene. It is expected to result in an absent or disrupted protein product. Loss-of-function variants in MYO15A are known to be pathogenic (PMID: 17546645).

Literature cited by the submitters: PubMed 17546645.